The following is an entry in ClinVar:

ClinVar aggregate classification (germline): Uncertain significance (1 of 4 stars; one submission).

Conditions:
Inborn genetic diseases. Identifiers: MedGen C0950123, MeSH D030342.

Submission:

Ambry Genetics
Classification: Uncertain significance for Inborn genetic diseases. Last evaluated: 2024-12-07. Review status: criteria provided, single submitter. Criteria: Ambry Variant Classification Scheme 2023. Collection method: clinical testing. Allele origin: germline.
Comment: The p.T12S variant (also known as c.34A>T), located in coding exon 1 of the ERCC6L2 gene, results from an A to T substitution at nucleotide position 34. The threonine at codon 12 is replaced by serine, an amino acid with similar properties. This amino acid position is conserved. In addition, this alteration is predicted to be tolerated by in silico analysis. Based on the available evidence, the clinical significance of this variant remains unclear.

NM_020207.7(ERCC6L2):c.34A>T (p.Thr12Ser)

Gene: ERCC6L2 (ERCC excision repair 6 like 2; plus strand). Cytogenetic location: 9q22.32.
Variant type: single nucleotide variant.
Coding change: c.34A>T on transcript NM_020207.7 (MANE Select); coding-DNA position 34, A replaced by T.
Protein change: p.Thr12Ser; replaces threonine 12 with serine.
Molecular consequence: missense variant. On other transcripts: non-coding transcript variant (1).
Genome position (GRCh38, 1-based): chr9:95,876,072, A>T. VCF-style: chr9-95876072-A-T. GRCh37 (hg19) VCF-style: chr9-98638354-A-T.
Other names: c.34A>T, p.Thr12Ser (NM_001010895.4, NM_001375291.1, NM_001375292.1 and 2 more transcripts); short protein forms T12S.
Identifiers: ClinVar variation 3510019 (VCV003510019.1).